The following is an entry in ClinVar:

ClinVar aggregate classification (germline): Uncertain significance (1 of 4 stars; one submission).

Conditions:
Cardiovascular phenotype. Identifiers: MedGen CN230736.

Allele frequency attached by ClinVar (database versions not stated): gnomAD exomes below 0.00001.
gnomAD v4.1: 2 of 1,613,690 alleles (0.00012%); highest among the groups gnomAD compares: Admixed American, 0.0017%; no homozygotes.

Submission:

Ambry Genetics
Classification: Uncertain significance for Cardiovascular phenotype. Last evaluated: 2021-10-06. Review status: criteria provided, single submitter. Criteria: Ambry Variant Classification Scheme 2023. Collection method: clinical testing. Allele origin: germline.
Comment: The p.L158F variant (also known as c.472C>T), located in coding exon 4 of the TBX5 gene, results from a C to T substitution at nucleotide position 472. The leucine at codon 158 is replaced by phenylalanine, an amino acid with highly similar properties. This amino acid position is conserved. In addition, this alteration is predicted to be deleterious by in silico analysis. Since supporting evidence is limited at this time, the clinical significance of this alteration remains unclear.

NM_181486.4(TBX5):c.472C>T (p.Leu158Phe)

Gene: TBX5 (T-box transcription factor 5; minus strand). Cytogenetic location: 12q24.21.
Variant type: single nucleotide variant.
Coding change: c.472C>T on transcript NM_181486.4 (MANE Select); coding-DNA position 472, C replaced by T.
Protein change: p.Leu158Phe; replaces leucine 158 with phenylalanine.
Molecular consequence: missense variant.
Genome position (GRCh38, 1-based): chr12:114,398,611, G>A on the plus strand (C>T on the coding strand, the complement: TBX5 is on the minus strand). VCF-style: chr12-114398611-G-A. GRCh37 (hg19) VCF-style: chr12-114836416-G-A.
Other names: c.472C>T, p.Leu158Phe (NM_000192.3); c.322C>T, p.Leu108Phe (NM_080717.4); short protein forms L108F, L158F.
Identifiers: ClinVar variation 1742706 (VCV001742706.2), dbSNP rs2540471421, ClinGen allele CA386862022.
Genomic context (GRCh38, chr12:114,398,611, plus strand): 5'-GAATCCAGGCCACGGTACTCACATGCCCAAATGGGTCCAGGTGGTTGTTGGTGAGCTTGA[G>A]TTTCTGGAAGGAGACGAGCTGCCTCATCCAATGCGCCCCGGTGGCGGGGGAGTCTGGGTG-3'
Protein context (NP_852259.1, residues 148-168): WMRQLVSFQK[Leu158Phe]KLTNNHLDPF